The following is an entry in ClinVar:

ClinVar aggregate classification (germline): Uncertain significance (1 of 4 stars; one submission).

Allele frequency attached by ClinVar (database versions not stated): ExAC below 0.00001; gnomAD exomes 0.00001 and 0.00002; gnomAD 0.00004.
gnomAD v4.1: 23 of 1,205,581 alleles (0.0019%); highest among the groups gnomAD compares: African/African-American, 0.021%; no homozygotes.

Submission:

Labcorp Genetics (formerly Invitae), Labcorp
Classification: Uncertain significance. Last evaluated: 2026-01-05. Review status: criteria provided, single submitter. Criteria: Invitae Variant Classification Sherloc (09022015). Collection method: clinical testing. Allele origin: germline.
Comment: This sequence change replaces proline, which is neutral and non-polar, with arginine, which is basic and polar, at codon 221 of the CACNA1F protein (p.Pro221Arg). This variant is present in population databases (rs782377005, gnomAD 0.009%). This missense change has been observed in individual(s) with clinical features of CACNA1F-related conditions (internal data). ClinVar contains an entry for this variant (Variation ID: 967927). An algorithm developed to predict the effect of missense changes on protein structure and function (PolyPhen-2) suggests that this variant is likely to be disruptive. In summary, the available evidence is currently insufficient to determine the role of this variant in disease. Therefore, it has been classified as a Variant of Uncertain Significance.

NM_001256789.3(CACNA1F):c.662C>G (p.Pro221Arg)

Gene: CACNA1F (calcium voltage-gated channel subunit alpha1 F; minus strand). Cytogenetic location: Xp11.23.
Variant type: single nucleotide variant.
Coding change: c.662C>G on transcript NM_001256789.3 (MANE Select); coding-DNA position 662, C replaced by G.
Protein change: p.Pro221Arg; replaces proline 221 with arginine.
Molecular consequence: missense variant.
Genome position (GRCh38, 1-based): chrX:49,230,469, G>C on the plus strand (C>G on the coding strand, the complement: CACNA1F is on the minus strand). VCF-style: chrX-49230469-G-C. GRCh37 (hg19) VCF-style: chrX-49086931-G-C.
Other names: c.467C>G, p.Pro156Arg (NM_001256790.3); c.662C>G, p.Pro221Arg (NM_005183.4); short protein forms P156R, P221R.
Identifiers: ClinVar variation 967927 (VCV000967927.7), dbSNP rs782377005, ClinGen allele CA10411052.